The following is an entry in ClinVar:

NM_001375380.1(EBF3):c.292-6T>G

Gene: EBF3 (EBF transcription factor 3; minus strand). Cytogenetic location: 10q26.3.
Variant type: single nucleotide variant.
Coding change: c.292-6T>G on transcript NM_001375380.1 (MANE Select); 6 bases into the intron before coding-DNA position 292, T replaced by G.
Molecular consequence: intron variant.
Genome position (GRCh38, 1-based): chr10:129,963,011, A>C on the plus strand (T>G on the coding strand, the complement: EBF3 is on the minus strand). VCF-style: chr10-129963011-A-C. GRCh37 (hg19) VCF-style: chr10-131761275-A-C.
Other names: c.292-6T>G (NM_001375392.1, NM_001005463.3, NM_001375390.1 and 3 more transcripts).
Identifiers: ClinVar variation 1309651 (VCV001309651.2), dbSNP rs2134655305, ClinGen allele CA645568910.

ClinVar aggregate classification (germline): Uncertain significance (1 of 4 stars; one submission).

Submission:

GeneDx
Classification: Uncertain significance. Last evaluated: 2019-11-04. Review status: criteria provided, single submitter. Criteria: GeneDx Variant Classification Process June 2021. Collection method: clinical testing. Allele origin: germline. Affected: yes.
Comment: Has not been previously published as pathogenic or benign to our knowledge; Not observed in large population cohorts (Lek et al., 2016); In-silico analysis, which includes splice predictors and evolutionary conservation, is inconclusive as to whether the variant alters gene splicing. In the absence of RNA/functional studies, the actual effect of this sequence change is unknown.